The following is an entry in ClinVar:

NM_004371.4(COPA):c.1715G>A (p.Arg572Gln)

Gene: COPA (coat protein complex I subunit alpha; minus strand). Cytogenetic location: 1q23.2.
Variant type: single nucleotide variant.
Coding change: c.1715G>A on transcript NM_004371.4 (MANE Select); coding-DNA position 1715, G replaced by A.
Protein change: p.Arg572Gln; replaces arginine 572 with glutamine.
Molecular consequence: missense variant.
Genome position (GRCh38, 1-based): chr1:160,299,217, C>T on the plus strand (G>A on the coding strand, the complement: COPA is on the minus strand). VCF-style: chr1-160299217-C-T. GRCh37 (hg19) VCF-style: chr1-160269007-C-T.
Other names: c.1742G>A, p.Arg581Gln (NM_001098398.2); short protein forms R572Q, R581Q.
Identifiers: ClinVar variation 4767291 (VCV004767291.1).

ClinVar aggregate classification (germline): Uncertain significance (1 of 4 stars; one submission).

Conditions:
Autoimmune interstitial lung disease-arthritis syndrome. Also called: Autoinflammation and autoimmunity, systemic, with immune dysregulation. Identifiers: Orphanet 444092, MedGen C5975714, MONDO:0014629.

Submission:

Labcorp Genetics (formerly Invitae), Labcorp
Classification: Uncertain significance for Autoimmune interstitial lung disease-arthritis syndrome. Last evaluated: 2026-01-21. Review status: criteria provided, single submitter. Criteria: Invitae Variant Classification Sherloc (09022015). Collection method: clinical testing. Allele origin: germline.
Comment: This sequence change replaces arginine, which is basic and polar, with glutamine, which is neutral and polar, at codon 572 of the COPA protein (p.Arg572Gln). This variant is present in population databases (rs764622211, gnomAD 0.004%). This variant has not been reported in the literature in individuals affected with COPA-related conditions. Invitae Evidence Modeling of protein sequence and biophysical properties (such as structural, functional, and spatial information, amino acid conservation, physicochemical variation, residue mobility, and thermodynamic stability) indicates that this missense variant is not expected to disrupt COPA protein function with a negative predictive value of 80%. In summary, the available evidence is currently insufficient to determine the role of this variant in disease. Therefore, it has been classified as a Variant of Uncertain Significance.